The following is an entry in ClinVar:

NM_000642.3(AGL):c.3748G>T (p.Gly1250Ter)

Gene: AGL (amylo-alpha-1,6-glucosidase and 4-alpha-glucanotransferase; plus strand). Cytogenetic location: 1p21.2.
Variant type: single nucleotide variant.
Coding change: c.3748G>T on transcript NM_000642.3 (MANE Select); coding-DNA position 3748, G replaced by T.
Protein change: p.Gly1250Ter; replaces glycine 1250 with a stop codon.
Molecular consequence: nonsense.
Genome position (GRCh38, 1-based): chr1:99,910,759, G>T. VCF-style: chr1-99910759-G-T. GRCh37 (hg19) VCF-style: chr1-100376315-G-T.
Other names: c.3748G>T, p.Gly1250Ter (NM_000028.3, NM_000643.3, NM_000644.3 and 1 more transcripts); c.3700G>T, p.Gly1234Ter (NM_000646.3); c.3727G>T, p.Gly1243Ter (NM_001425326.1); c.3547G>T, p.Gly1183Ter (NM_001425327.1); c.3544G>T, p.Gly1182Ter (NM_001425328.1); c.3409G>T, p.Gly1137Ter (NM_001425329.1); c.3370G>T, p.Gly1124Ter (NM_001425332.1); short protein forms G1124*, G1137*, G1182*, G1183*, G1234*, G1243*, G1250*.
Identifiers: ClinVar variation 5014499 (VCV005014499.1).

ClinVar aggregate classification (germline): Pathogenic (1 of 4 stars; one submission).

Conditions:
Glycogen storage disease type III (GSD3). Also called: FORBES DISEASE; Cori disease. Identifiers: Orphanet 366, MedGen C0017922, MONDO:0009291, OMIM 232400.

Submission:

Myriad Genetics, Inc.
Classification: Pathogenic for Glycogen storage disease type III. Last evaluated: 2025-05-23. Review status: criteria provided, single submitter. Criteria: Myriad Autosomal Dominant, Autosomal Recessive and X-Linked Classification Criteria (2023). Collection method: clinical testing. Allele origin: unknown.
Comment: NM_000642.2(AGL):c.3748G>T(G1250*) is expected to be pathogenic in the context of glycogen storage disease type III. This variant is predicted to lead to an abnormal or absent protein product due to the creation of a premature termination codon in AGL, a gene where loss-of-function variants are known to be pathogenic. Please note: this variant was assessed in the context of healthy population screening.